The following is an entry in ClinVar:

ClinVar aggregate classification (germline): Uncertain significance (1 of 4 stars; one submission).

Allele frequency attached by ClinVar (database versions not stated): gnomAD 0.00001; gnomAD exomes 0.00002 and 0.00004; TOPMed 0.00002; ExAC 0.00003.
gnomAD v4.1: 59 of 1,597,300 alleles (0.0037%); highest among the groups gnomAD compares: Non-Finnish European, 0.0048%; no homozygotes.

Submission:

Labcorp Genetics (formerly Invitae), Labcorp
Classification: Uncertain significance. Last evaluated: 2025-02-13. Review status: criteria provided, single submitter. Criteria: Invitae Variant Classification Sherloc (09022015). Collection method: clinical testing. Allele origin: germline.
Comment: This sequence change replaces glycine, which is neutral and non-polar, with serine, which is neutral and polar, at codon 118 of the TNFRSF6B protein (p.Gly118Ser). The frequency data for this variant in the population databases is considered unreliable, as metrics indicate poor data quality at this position in the gnomAD database. This variant has not been reported in the literature in individuals affected with TNFRSF6B-related conditions. ClinVar contains an entry for this variant (Variation ID: 1460881). An algorithm developed to predict the effect of missense changes on protein structure and function (PolyPhen-2) suggests that this variant is likely to be disruptive. In summary, the available evidence is currently insufficient to determine the role of this variant in disease. Therefore, it has been classified as a Variant of Uncertain Significance.

NM_003823.4(TNFRSF6B):c.352G>A (p.Gly118Ser)

Genes: RTEL1-TNFRSF6B (RTEL1-TNFRSF6B readthrough (NMD candidate); plus strand), TNFRSF6B (TNF receptor superfamily member 6b; plus strand). Cytogenetic location: 20q13.33.
Variant type: single nucleotide variant.
Coding change: c.352G>A on transcript NM_003823.4 (MANE Select); coding-DNA position 352, G replaced by A.
Protein change: p.Gly118Ser; replaces glycine 118 with serine.
Molecular consequence: missense variant. On other transcripts: non-coding transcript variant (1).
Genome position (GRCh38, 1-based): chr20:63,697,119, G>A. VCF-style: chr20-63697119-G-A. GRCh37 (hg19) VCF-style: chr20-62328472-G-A.
Other names: short protein forms G118S.
Identifiers: ClinVar variation 1460881 (VCV001460881.6), dbSNP rs775218200, ClinGen allele CA9966419.